The following is an entry in ClinVar:

ClinVar aggregate classification (germline): Uncertain significance. Review status: criteria provided, multiple submitters, no conflicts (2 of 4 stars). 3 submissions from 3 submitters: Uncertain significance (3). Last evaluated 2025-09-17.

Conditions:
Hereditary cancer-predisposing syndrome. Also called: Tumor predisposition; Neoplastic Syndromes, Hereditary; Hereditary neoplastic syndrome; Hereditary Cancer Syndrome. Identifiers: Orphanet 140162, MedGen C0027672, MeSH D009386, MONDO:0015356.
Hereditary breast ovarian cancer syndrome. Also called: Breast and ovarian cancer; BRCA1- and BRCA2-Associated Hereditary Breast and Ovarian Cancer; Hereditary breast and ovarian cancer syndrome (HBOC); Hereditary breast and ovarian cancer; Hereditary breast and/or ovarian cancer syndrome; Hereditary breast and ovarian cancer syndrome. Identifiers: Orphanet 145, MedGen C0677776, MeSH D061325, MONDO:0003582. Disease mechanism: loss of function.

Submissions (3):

Ambry Genetics
Classification: Uncertain significance for Hereditary cancer-predisposing syndrome. Last evaluated: 2025-09-17. Review status: criteria provided, single submitter. Criteria: Ambry Variant Classification Scheme 2023. Collection method: clinical testing. Allele origin: germline.
Comment: The c.3877_3879delGCT variant (also known as p.A1293del) is located in coding exon 9 of the BRCA1 gene. This variant results from an in-frame GCT deletion at nucleotide positions 3877 to 3879. This results in the in-frame deletion of an alanine at codon 1293. This amino acid position is poorly conserved in available vertebrate species. In addition, this variant is predicted to be neutral by in silico analysis (Choi Y et al. PLoS ONE. 2012; 7(10):e46688). Based on the available evidence, the clinical significance of this variant remains unclear.

Labcorp Genetics (formerly Invitae), Labcorp
Classification: Uncertain significance for Hereditary breast ovarian cancer syndrome. Last evaluated: 2025-08-07. Review status: criteria provided, single submitter. Criteria: Invitae Variant Classification Sherloc (09022015). Collection method: clinical testing. Allele origin: germline.
Comment: This variant, c.3877_3879del, results in the deletion of 1 amino acid(s) of the BRCA1 protein (p.Ala1293del), but otherwise preserves the integrity of the reading frame. This variant is not present in population databases (gnomAD no frequency). This variant has not been reported in the literature in individuals affected with BRCA1-related conditions. ClinVar contains an entry for this variant (Variation ID: 496373). In summary, the available evidence is currently insufficient to determine the role of this variant in disease. Therefore, it has been classified as a Variant of Uncertain Significance.

Women's Health and Genetics/Laboratory Corporation of America, LabCorp
Classification: Uncertain significance. Last evaluated: 2017-04-30. Review status: criteria provided, single submitter. Criteria: LabCorp Variant Classification Summary - May 2015. Collection method: clinical testing. Allele origin: germline.
Comment: Variant summary: The BRCA1 c.3877_3879delGCT (p.Ala1293del) variant involves the alteration of a non-conserved alanine residue that does not lie within a known functional domain (InterPro). One in silico tool predicts a benign outcome for this variant. 5/5 splice prediction tools predict no significant impact on normal splicing and ESE finder predicts that this variant does not affect ESE sites at the locus. However, these predictions have yet to be confirmed by functional studies. This variant is absent from the large control database ExAC (0/121398 control chromosomes). To our knowledge, the variant of interest has not been reported in affected individuals via publications and/or reputable databases/clinical diagnostic laboratories, nor has it been evaluated for functional impact by in vivo/vitro studies. Because of the absence of clinical information and the lack of functional studies, the variant is classified as a variant of uncertain significance (VUS) until additional information becomes available.

NM_007294.4(BRCA1):c.3877_3879del (p.Ala1293del)

Genes: BRCA1 (BRCA1 DNA repair associated; minus strand), LOC126862571 (BRD4-independent group 4 enhancer GRCh37_chr17:41243136-41244335; plus strand). Cytogenetic location: 17q21.31.
Variant type: Deletion.
Coding change: c.3877_3879del on transcript NM_007294.4 (MANE Select); coding-DNA positions 3877 to 3879, 3 bases deleted (GCT; older notation c.3877_3879delGCT).
Protein change: p.Ala1293del; deletes alanine 1293.
Molecular consequence: inframe deletion. On other transcripts: inframe indel (1), intron variant (135).
Genome position (GRCh38, 1-based): chr17:43,091,652-43,091,654, AGC deleted on the plus strand (GCT on the coding strand, the reverse complement: BRCA1 is on the minus strand); deleting any 3 consecutive bases within chr17:43,091,652-43,091,656 gives the same sequence; the c. name uses the placement nearest the transcript's 3' end. VCF-style (leftmost placement, unchanged base first): chr17-43091651-TAGC-T. GRCh37 (hg19) VCF-style: chr17-41243668-TAGC-T.
Other names: c.3877_3879delGCT (NM_007294.3); c.3664_3666del, p.Ala1222del (NM_001407571.1, NM_001407853.1, NM_001407894.1 and 9 more transcripts); c.3877_3879del, p.Ala1293del (NM_001407581.1, NM_001407582.1, NM_001407583.1 and 30 more transcripts); c.3874_3876del, p.Ala1292del (NM_001407587.1, NM_001407590.1, NM_001407591.1 and 22 more transcripts); c.3868_3870del, p.Ala1290del (NM_001407646.1, NM_001407647.1); c.3754_3756del, p.Ala1252del (NM_001407648.1, NM_001407664.1, NM_001407665.1 and 19 more transcripts); c.3751_3753del, p.Ala1251del (NM_001407649.1, NM_001407670.1, NM_001407671.1 and 11 more transcripts); c.3799_3801del, p.Ala1267del (NM_001407653.1, NM_001407654.1, NM_001407655.1 and 4 more transcripts); and 42 more; short protein forms A1293del, A1246del, A1165del, A1181del, A1205del, A1225del, A1252del, A425del.
Identifiers: ClinVar variation 496373 (VCV000496373.8), dbSNP rs1555586867, ClinGen allele CA658684103.